The following is an entry in ClinVar:

NM_001375524.1(TRRAP):c.7829G>A (p.Arg2610Gln)

Gene: TRRAP (transformation/transcription domain associated protein; plus strand). Cytogenetic location: 7q22.1.
Variant type: single nucleotide variant.
Coding change: c.7829G>A on transcript NM_001375524.1 (MANE Select); coding-DNA position 7829, G replaced by A.
Protein change: p.Arg2610Gln; replaces arginine 2610 with glutamine.
Molecular consequence: missense variant.
Genome position (GRCh38, 1-based): chr7:98,971,935, G>A. VCF-style: chr7-98971935-G-A. GRCh37 (hg19) VCF-style: chr7-98569558-G-A.
Other names: c.7808G>A, p.Arg2603Gln (NM_001244580.2); c.7754G>A, p.Arg2585Gln (NM_003496.4); short protein forms R2610Q, R2603Q, R2585Q.
Identifiers: ClinVar variation 4708663 (VCV004708663.1).

ClinVar aggregate classification (germline): Uncertain significance (1 of 4 stars; one submission).

gnomAD v4.1: 4 of 1,614,024 alleles (0.00025%); highest among the groups gnomAD compares: African/African-American, 0.0013%; no homozygotes.

Submission:

Labcorp Genetics (formerly Invitae), Labcorp
Classification: Uncertain significance. Last evaluated: 2025-10-15. Review status: criteria provided, single submitter. Criteria: Invitae Variant Classification Sherloc (09022015). Collection method: clinical testing. Allele origin: germline.
Comment: This sequence change replaces arginine, which is basic and polar, with glutamine, which is neutral and polar, at codon 2585 of the TRRAP protein (p.Arg2585Gln). This variant is present in population databases (no rsID available, gnomAD 0.004%). This variant has not been reported in the literature in individuals affected with TRRAP-related conditions. Invitae Evidence Modeling of protein sequence and biophysical properties (such as structural, functional, and spatial information, amino acid conservation, physicochemical variation, residue mobility, and thermodynamic stability) has been performed for this missense variant. However, the output from this modeling did not meet the statistical confidence thresholds required to predict the impact of this variant on TRRAP protein function. In summary, the available evidence is currently insufficient to determine the role of this variant in disease. Therefore, it has been classified as a Variant of Uncertain Significance.